The following is an entry in ClinVar:

ClinVar aggregate classification (germline): Uncertain significance (1 of 4 stars; one submission).

Allele frequency attached by ClinVar (database versions not stated): gnomAD exomes below 0.00001.
gnomAD v4.1: 1 of 1,211,407 alleles (0.000083%); highest among the groups gnomAD compares: Non-Finnish European, 0.00011%; no homozygotes.

Submission:

GeneDx
Classification: Uncertain significance. Last evaluated: 2022-11-22. Review status: criteria provided, single submitter. Criteria: GeneDx Variant Classification Process June 2021. Collection method: clinical testing. Allele origin: germline. Affected: yes.
Comment: Not observed at significant frequency in large population cohorts (gnomAD); In silico analysis supports that this missense variant does not alter protein structure/function; Has not been previously published as pathogenic or benign to our knowledge

NM_004606.5(TAF1):c.1196C>G (p.Ala399Gly)

Gene: TAF1 (TATA-box binding protein associated factor 1; plus strand). Cytogenetic location: Xq13.1.
Variant type: single nucleotide variant.
Coding change: c.1196C>G on transcript NM_004606.5 (MANE Select); coding-DNA position 1196, C replaced by G.
Protein change: p.Ala399Gly; replaces alanine 399 with glycine.
Molecular consequence: missense variant. On other transcripts: non-coding transcript variant (9).
Genome position (GRCh38, 1-based): chrX:71,378,867, C>G. VCF-style: chrX-71378867-C-G. GRCh37 (hg19) VCF-style: chrX-70598717-C-G.
Other names: c.1196C>G, p.Ala399Gly (NM_001286074.2); c.1133C>G, p.Ala378Gly (NM_138923.4); short protein forms A378G, A399G.
Identifiers: ClinVar variation 2502638 (VCV002502638.1), dbSNP rs2520158817, ClinGen allele CA413510107.